The following is an entry in ClinVar:

NM_002890.3(RASA1):c.1897G>A (p.Gly633Arg)

Genes: CCNH (cyclin H; minus strand), RASA1 (RAS p21 protein activator 1; plus strand). Cytogenetic location: 5q14.3.
Variant type: single nucleotide variant.
Coding change: c.1897G>A on transcript NM_002890.3 (MANE Select); coding-DNA position 1897, G replaced by A.
Protein change: p.Gly633Arg; replaces glycine 633 with arginine.
Molecular consequence: missense variant. On other transcripts: intron variant (1).
Genome position (GRCh38, 1-based): chr5:87,374,283, G>A. VCF-style: chr5-87374283-G-A. GRCh37 (hg19) VCF-style: chr5-86670100-G-A.
Other names: c.1366G>A, p.Gly456Arg (NM_022650.3); c.933+20761C>T (NM_001364075.2); short protein forms G633R, G456R.
Identifiers: ClinVar variation 2769780 (VCV002769780.3), dbSNP rs2531338914, ClinGen allele CA360375032.
Genomic context (GRCh38, chr5:87,374,283, plus strand): 5'-AATCCATATTGTAACATCTACCTGAATAGTGTCCAAGTAGCAAAAACTCATGCAAGGGAA[G>A]GGCAAAACCCAGTATGGTCAGAAGAGTTTGTCTTTGAGTAAGTCTTATTTTATCATTACA-3'
Protein context (NP_002881.1, residues 623-643): VQVAKTHARE[Gly633Arg]QNPVWSEEFV

ClinVar aggregate classification (germline): Uncertain significance (1 of 4 stars; one submission).

Conditions:
Capillary malformation-arteriovenous malformation syndrome. Also called: Capillary malformation-arteriovenous malformation. Identifiers: Orphanet 137667, MedGen C1842180, MONDO:0012016.

Submission:

Labcorp Genetics (formerly Invitae), Labcorp
Classification: Uncertain significance for Capillary malformation-arteriovenous malformation syndrome. Last evaluated: 2023-10-18. Review status: criteria provided, single submitter. Criteria: Invitae Variant Classification Sherloc (09022015). Collection method: clinical testing. Allele origin: germline.
Comment: This sequence change replaces glycine, which is neutral and non-polar, with arginine, which is basic and polar, at codon 633 of the RASA1 protein (p.Gly633Arg). This variant is not present in population databases (gnomAD no frequency). This variant has not been reported in the literature in individuals affected with RASA1-related conditions. An algorithm developed to predict the effect of missense changes on protein structure and function (PolyPhen-2) suggests that this variant is likely to be disruptive. In summary, the available evidence is currently insufficient to determine the role of this variant in disease. Therefore, it has been classified as a Variant of Uncertain Significance.